The following is an entry in ClinVar:

ClinVar aggregate classification (germline): Pathogenic (1 of 4 stars; one submission).

Conditions:
Primary ciliary dyskinesia 3. Identifiers: Orphanet 244, MedGen C1837618, MONDO:0012085, OMIM 608644.

Submission:

Myriad Genetics, Inc.
Classification: Pathogenic for Primary ciliary dyskinesia 3. Last evaluated: 2024-05-14. Review status: criteria provided, single submitter. Criteria: Myriad Autosomal Dominant, Autosomal Recessive and X-Linked Classification Criteria (2023). Collection method: clinical testing. Allele origin: unknown.
Comment: NM_001369.2(DNAH5):c.9099_9100ins8(G3034Rfs*26) is expected to be pathogenic in the context of primary ciliary dyskinesia, DNAH5-related. This variant is predicted to lead to an abnormal or absent protein product due to the creation of a premature termination codon in DNAH5, a gene where loss-of-function variants are known to be pathogenic. Please note: this variant was assessed in the context of healthy population screening.

NM_001369.3(DNAH5):c.9099_9100insAGAGACAG (p.Gly3034fs)

Gene: DNAH5 (dynein axonemal heavy chain 5; minus strand). Cytogenetic location: 5p15.2.
Variant type: Insertion.
Coding change: c.9099_9100insAGAGACAG on transcript NM_001369.3 (MANE Select); coding-DNA positions 9099 to 9100, AGAGACAG inserted.
Protein change: p.Gly3034fs; shifts the reading frame from glycine 3034.
Molecular consequence: frameshift variant.
Genome position: GRCh38 VCF-style: chr5-13777207-C-CCTGTCTCT. GRCh37 (hg19) VCF-style: chr5-13777316-C-CCTGTCTCT.
Other names: short protein forms G3034fs.
Identifiers: ClinVar variation 5016329 (VCV005016329.1).